The following is an entry in ClinVar:

NC_000022.11:g.(?_23787160)_(23825425_?)dup

Gene: SMARCB1 (SWI/SNF related BAF chromatin remodeling complex subunit B1; plus strand). Cytogenetic location: 22q11.23.
Variant type: Duplication.
Identifiers: ClinVar variation 832244 (VCV000832244.1).

ClinVar aggregate classification (germline): Uncertain significance (1 of 4 stars; one submission).

Submission:

Labcorp Genetics (formerly Invitae), Labcorp
Classification: Uncertain significance. Last evaluated: 2019-04-22. Review status: criteria provided, single submitter. Criteria: Invitae Variant Classification Sherloc (09022015). Collection method: clinical testing. Allele origin: germline.
Comment: This variant results in a copy number gain of the genomic region encompassing exons 1-7 of the SMARCB1 gene. The 5' end of this event is unknown as it extends beyond the assayed region for this gene and therefore may encompass additional genes. The 3' boundary is likely confined to intron 7 of the SMARCB1 gene, which includes the initiator codon. As the precise location of this event is unknown, it may be in tandem or it may be located elsewhere in the genome. This variant has not been reported in the literature in individuals with SMARCB1-related conditions. Experimental studies are not available for this variant, and the functional significance of a copy number gain of these exons is currently unknown. In summary, the available evidence is currently insufficient to determine the role of this variant in disease. Therefore, it has been classified as a Variant of Uncertain Significance.